The following is an entry in ClinVar:

NM_000334.4(SCN4A):c.4010G>A (p.Arg1337Gln)

Genes: GH-LCR (growth hormone locus control region; plus strand), SCN4A (sodium voltage-gated channel alpha subunit 4; minus strand). Cytogenetic location: 17q23.3.
Variant type: single nucleotide variant.
Coding change: c.4010G>A on transcript NM_000334.4 (MANE Select); coding-DNA position 4010, G replaced by A.
Protein change: p.Arg1337Gln; replaces arginine 1337 with glutamine.
Molecular consequence: missense variant.
Genome position (GRCh38, 1-based): chr17:63,943,753, C>T on the plus strand (G>A on the coding strand, the complement: SCN4A is on the minus strand). VCF-style: chr17-63943753-C-T. GRCh37 (hg19) VCF-style: chr17-62021113-C-T.
Other names: short protein forms R1337Q.
Identifiers: ClinVar variation 424123 (VCV000424123.12), dbSNP rs779953580, ClinGen allele CA8709094.
Genomic context (GRCh38, chr17:63,943,753, plus strand): 5'-CCTAGGCAGGAGCCTGGCAGCACACACAGGACAGGGGGCCCAGAGGTCTGTACCTGGGGC[C>T]GGGGAATTGGCTTCTGAGGCTTCTTGGAGCCAAGCTTCTTCATGGCGTTATAGTATTTCT-3'
Protein context (NP_000325.4, residues 1327-1347): GSKKPQKPIP[Arg1337Gln]PQNKIQGMVY

ClinVar aggregate classification (germline): Uncertain significance. Review status: criteria provided, multiple submitters, no conflicts (2 of 4 stars). 2 submissions from 2 submitters: Uncertain significance (2). Last evaluated 2025-09-24.

Conditions:
Hyperkalemic periodic paralysis. Also called: Familial hyperkalemic periodic paralysis; Gamstorp disease. Identifiers: Orphanet 682, MedGen C0238357, MONDO:0008224, OMIM 170500, HP:0007215.

Allele frequency attached by ClinVar (database versions not stated): gnomAD exomes 0.00001 and 0.00002; ExAC 0.00002; gnomAD 0.00003; TOPMed 0.00003.

Submissions (2):

Labcorp Genetics (formerly Invitae), Labcorp
Classification: Uncertain significance for Hyperkalemic periodic paralysis. Last evaluated: 2025-09-24. Review status: criteria provided, single submitter. Criteria: Invitae Variant Classification Sherloc (09022015). Collection method: clinical testing. Allele origin: germline.
Comment: This sequence change replaces arginine, which is basic and polar, with glutamine, which is neutral and polar, at codon 1337 of the SCN4A protein (p.Arg1337Gln). This variant is present in population databases (rs779953580, gnomAD 0.004%). This variant has not been reported in the literature in individuals affected with SCN4A-related conditions. ClinVar contains an entry for this variant (Variation ID: 424123). Invitae Evidence Modeling of protein sequence and biophysical properties (such as structural, functional, and spatial information, amino acid conservation, physicochemical variation, residue mobility, and thermodynamic stability) has been performed for this missense variant. However, the output from this modeling did not meet the statistical confidence thresholds required to predict the impact of this variant on SCN4A protein function. In summary, the available evidence is currently insufficient to determine the role of this variant in disease. Therefore, it has been classified as a Variant of Uncertain Significance.

GeneDx
Classification: Uncertain significance. Last evaluated: 2022-09-20. Review status: criteria provided, single submitter. Criteria: GeneDx Variant Classification Process June 2021. Collection method: clinical testing. Allele origin: germline. Affected: yes.
Comment: In silico analysis supports that this missense variant has a deleterious effect on protein structure/function; Has not been previously published as pathogenic or benign to our knowledge